The following is an entry in ClinVar:

NM_000143.4(FH):c.143A>T (p.Asn48Ile)

Gene: FH (fumarate hydratase; minus strand). Cytogenetic location: 1q43.
Variant type: single nucleotide variant.
Coding change: c.143A>T on transcript NM_000143.4 (MANE Select); coding-DNA position 143, A replaced by T.
Protein change: p.Asn48Ile; replaces asparagine 48 with isoleucine.
Molecular consequence: missense variant.
Genome position (GRCh38, 1-based): chr1:241,517,306, T>A on the plus strand (A>T on the coding strand, the complement: FH is on the minus strand). VCF-style: chr1-241517306-T-A. GRCh37 (hg19) VCF-style: chr1-241680606-T-A.
Other names: c.143A>T (NM_000143.3); short protein forms N48I.
Identifiers: ClinVar variation 1420696 (VCV001420696.8), dbSNP rs1660246440, ClinGen allele CA345442031.

ClinVar aggregate classification (germline): Uncertain significance. Review status: criteria provided, multiple submitters, no conflicts (2 of 4 stars). 2 submissions from 2 submitters: Uncertain significance (2). Last evaluated 2025-05-05.

Conditions:
Hereditary cancer-predisposing syndrome. Also called: Neoplastic Syndromes, Hereditary; Hereditary Cancer Syndrome; Hereditary neoplastic syndrome; Tumor predisposition. Identifiers: Orphanet 140162, MedGen C0027672, MeSH D009386, MONDO:0015356.

Allele frequency attached by ClinVar (database versions not stated): gnomAD exomes below 0.00001.
gnomAD v4.1: 2 of 1,614,076 alleles (0.00012%); highest among the groups gnomAD compares: Middle Eastern, 0.033%; no homozygotes.

Submissions (2):

Labcorp Genetics (formerly Invitae), Labcorp
Classification: Uncertain significance. Last evaluated: 2025-05-05. Review status: criteria provided, single submitter. Criteria: Invitae Variant Classification Sherloc (09022015). Collection method: clinical testing. Allele origin: germline.
Comment: This sequence change replaces asparagine, which is neutral and polar, with isoleucine, which is neutral and non-polar, at codon 48 of the FH protein (p.Asn48Ile). This variant is not present in population databases (gnomAD no frequency). This variant has not been reported in the literature in individuals affected with FH-related conditions. ClinVar contains an entry for this variant (Variation ID: 1420696). Invitae Evidence Modeling of protein sequence and biophysical properties (such as structural, functional, and spatial information, amino acid conservation, physicochemical variation, residue mobility, and thermodynamic stability) indicates that this missense variant is not expected to disrupt FH protein function with a negative predictive value of 95%. In summary, the available evidence is currently insufficient to determine the role of this variant in disease. Therefore, it has been classified as a Variant of Uncertain Significance.

Ambry Genetics
Classification: Uncertain significance for Hereditary cancer-predisposing syndrome. Last evaluated: 2025-02-24. Review status: criteria provided, single submitter. Criteria: Ambry Variant Classification Scheme 2023. Collection method: clinical testing. Allele origin: germline.
Comment: The p.N48I variant (also known as c.143A>T), located in coding exon 2 of the FH gene, results from an A to T substitution at nucleotide position 143. The asparagine at codon 48 is replaced by isoleucine, an amino acid with dissimilar properties. This amino acid position is conserved. In addition, the in silico prediction for this alteration is inconclusive. Based on the available evidence, the clinical significance of this variant remains unclear.